The following is an entry in ClinVar:

NM_000503.6(EYA1):c.801C>G (p.Ser267Arg)

Gene: EYA1 (EYA transcriptional coactivator and phosphatase 1; minus strand). Cytogenetic location: 8q13.3.
Variant type: single nucleotide variant.
Coding change: c.801C>G on transcript NM_000503.6 (MANE Select); coding-DNA position 801, C replaced by G.
Protein change: p.Ser267Arg; replaces serine 267 with arginine.
Molecular consequence: missense variant.
Genome position (GRCh38, 1-based): chr8:71,299,072, G>C on the plus strand (C>G on the coding strand, the complement: EYA1 is on the minus strand). VCF-style: chr8-71299072-G-C. GRCh37 (hg19) VCF-style: chr8-72211307-G-C.
Other names: c.801C>G (NM_172058.3); c.783C>G, p.Ser261Arg (NM_001288574.2); c.435C>G, p.Ser145Arg (NM_001288575.2); c.888C>G, p.Ser296Arg (NM_001370333.1); c.801C>G, p.Ser267Arg (NM_001370334.1, NM_001370335.1, NM_172058.4); c.870C>G, p.Ser290Arg (NM_001370336.1); c.702C>G, p.Ser234Arg (NM_001411797.1, NM_172060.4); c.873C>G, p.Ser291Arg (NM_172059.5); short protein forms S267R, S291R, S296R, S290R, S145R, S234R, S261R.
Identifiers: ClinVar variation 4252166 (VCV004252166.2).

ClinVar aggregate classification (germline): Uncertain significance. Review status: criteria provided, multiple submitters, no conflicts (2 of 4 stars). 2 submissions from 2 submitters: Uncertain significance (2). Last evaluated 2025-12-30.

Conditions:
EYA1-related disorder. Also called: EYA1-related condition.
Inborn genetic diseases. Identifiers: MedGen C0950123, MeSH D030342.

gnomAD v4.1: 5 of 1,613,918 alleles (0.00031%); highest among the groups gnomAD compares: Admixed American, 0.0017%; no homozygotes.

Submissions (2):

PreventionGenetics, part of Exact Sciences
Classification: Uncertain significance for EYA1-related condition. Last evaluated: 2025-12-30. Review status: criteria provided, single submitter. Criteria: ACMG Guidelines, 2015. Collection method: clinical testing. Allele origin: germline.
Comment: The EYA1 c.801C>G variant is predicted to result in the amino acid substitution p.Ser267Arg. To our knowledge, this variant has not been reported in the literature. This variant is reported in 0.0029% of alleles in individuals of Latino descent in gnomAD. At this time, the clinical significance of this variant is uncertain due to the absence of conclusive functional and genetic evidence.

Ambry Genetics
Classification: Uncertain significance for Inborn genetic diseases. Last evaluated: 2025-09-01. Review status: criteria provided, single submitter. Criteria: Ambry Variant Classification Scheme 2023. Collection method: clinical testing. Allele origin: germline.